The following is an entry in ClinVar:

ClinVar aggregate classification (germline): Uncertain significance (1 of 4 stars; one submission).

Conditions:
Atrioventricular septal defect 4 (AVSD4). Identifiers: MedGen C3280781, MONDO:0013747, OMIM 614430.

Allele frequency attached by ClinVar (database versions not stated): gnomAD 0.00001; gnomAD exomes 0.00001 and 0.00002; TOPMed 0.00001.
gnomAD v4.1: 13 of 1,614,086 alleles (0.00081%); highest among the groups gnomAD compares: African/African-American, 0.0013%; no homozygotes.

Submission:

Labcorp Genetics (formerly Invitae), Labcorp
Classification: Uncertain significance for Atrioventricular septal defect 4. Last evaluated: 2025-03-22. Review status: criteria provided, single submitter. Criteria: Invitae Variant Classification Sherloc (09022015). Collection method: clinical testing. Allele origin: germline.
Comment: This sequence change replaces glycine, which is neutral and non-polar, with serine, which is neutral and polar, at codon 249 of the GATA4 protein (p.Gly249Ser). This variant is present in population databases (no rsID available, gnomAD 0.009%). This variant has not been reported in the literature in individuals affected with GATA4-related conditions. ClinVar contains an entry for this variant (Variation ID: 1493988). Invitae Evidence Modeling of protein sequence and biophysical properties (such as structural, functional, and spatial information, amino acid conservation, physicochemical variation, residue mobility, and thermodynamic stability) indicates that this missense variant is expected to disrupt GATA4 protein function with a positive predictive value of 95%. In summary, the available evidence is currently insufficient to determine the role of this variant in disease. Therefore, it has been classified as a Variant of Uncertain Significance.

NM_001308093.3(GATA4):c.748G>A (p.Gly250Ser)

Gene: GATA4 (GATA binding protein 4). Cytogenetic location: 8p23.1.
Variant type: single nucleotide variant.
Coding change: c.748G>A on transcript NM_001308093.3 (MANE Select); coding-DNA position 748, G replaced by A.
Protein change: p.Gly250Ser; replaces glycine 250 with serine.
Molecular consequence: missense variant.
Genome position (GRCh38, 1-based): chr8:11,749,047, G>A. VCF-style: chr8-11749047-G-A. GRCh37 (hg19) VCF-style: chr8-11606556-G-A.
Other names: c.127G>A, p.Gly43Ser (NM_001308094.2, NM_001374273.1, NM_001374274.1); c.745G>A, p.Gly249Ser (NM_002052.5); short protein forms G43S, G250S, G249S.
Identifiers: ClinVar variation 1493988 (VCV001493988.8), dbSNP rs1431297203, ClinGen allele CA370312812.